The following is an entry in ClinVar:

ClinVar aggregate classification (germline): Uncertain significance (1 of 4 stars; one submission).

Submission:

Women's Health and Genetics/Laboratory Corporation of America, LabCorp
Classification: Uncertain significance. Last evaluated: 2021-01-11. Review status: criteria provided, single submitter. Criteria: LabCorp Variant Classification Summary - May 2015. Collection method: clinical testing. Allele origin: germline.
Comment: Variant summary: SMN1 c.835-13delA alters a non-conserved nucleotide located close to a canonical splice site and therefore could affect mRNA splicing, leading to a significantly altered protein sequence. 4/4 computational tools predict no significant impact on normal splicing. However, these predictions have yet to be confirmed by functional studies. The variant was absent in 247818 control chromosomes. The available data on variant occurrences in the general population are insufficient to allow any conclusion about variant significance. To our knowledge, no occurrence of c.835-13delA in individuals affected with Spinal Muscular Atrophy and no experimental evidence demonstrating its impact on protein function have been reported. No clinical diagnostic laboratories have submitted clinical-significance assessments for this variant to ClinVar after 2014. Based on the evidence outlined above, the variant was classified as uncertain significance.

NM_000344.4(SMN1):c.835-13del

Gene: SMN1 (survival of motor neuron 1, telomeric). Cytogenetic location: 5q13.2.
Variant type: Deletion.
Coding change: c.835-13del on transcript NM_000344.4 (MANE Select); 13 bases into the intron before coding-DNA position 835, one base deleted.
Molecular consequence: intron variant.
Genome position: GRCh38 VCF-style: chr5-70951927-TA-T. GRCh37 (hg19) VCF-style: chr5-70247754-TA-T.
Other names: c.835-511del (NM_001297715.1); c.739-13del (NM_022874.2); c.835-13delA (NM_000344.3).
Identifiers: ClinVar variation 633422 (VCV000633422.2), dbSNP rs1561503075, ClinGen allele CA913189607.